The following is an entry in ClinVar:

NM_144596.4(TTC8):c.200T>C (p.Ile67Thr)

Gene: TTC8 (tetratricopeptide repeat domain 8; plus strand). Cytogenetic location: 14q31.3.
Variant type: single nucleotide variant.
Coding change: c.200T>C on transcript NM_144596.4 (MANE Select); coding-DNA position 200, T replaced by C.
Protein change: p.Ile67Thr; replaces isoleucine 67 with threonine.
Molecular consequence: missense variant. On other transcripts: 5 prime UTR variant (2), non-coding transcript variant (1).
Genome position (GRCh38, 1-based): chr14:88,839,507, T>C. VCF-style: chr14-88839507-T-C. GRCh37 (hg19) VCF-style: chr14-89305851-T-C.
Other names: c.170T>C, p.Ile57Thr (NM_001288781.1, NM_001366535.2, NM_001366536.2 and 2 more transcripts); c.-393T>C (NM_001288782.1); c.-488T>C (NM_001288783.1); short protein forms I57T, I67T.
Identifiers: ClinVar variation 3344900 (VCV003344900.1).

ClinVar aggregate classification (germline): Uncertain significance (0 of 4 stars; one submission).

Conditions:
TTC8-related disorder. Also called: TTC8-related condition.

gnomAD v4.1: 1 of 1,613,350 alleles (0.000062%); highest among the groups gnomAD compares: Non-Finnish European, 0.000085%; no homozygotes.

Submission:

PreventionGenetics, part of Exact Sciences
Classification: Uncertain significance for TTC8-related condition. Last evaluated: 2024-09-25. Review status: no assertion criteria provided. Collection method: clinical testing. Allele origin: germline.
Comment: The TTC8 c.200T>C variant is predicted to result in the amino acid substitution p.Ile67Thr. To our knowledge, this variant has not been reported in the literature or in a large population database, indicating this variant is rare. At this time, the clinical significance of this variant is uncertain due to the absence of conclusive functional and genetic evidence.